The following is an entry in ClinVar:

ClinVar aggregate classification (germline): Conflicting classifications of pathogenicity. Review status: criteria provided, conflicting classifications (1 of 4 stars). 8 submissions from 8 submitters: Likely pathogenic (1); Uncertain significance (6). 1 of the submissions does not count toward it. Last evaluated 2025-09-10.

Conditions:
Mitochondrial DNA depletion syndrome 15 (hepatocerebral type) (MTDPS15). Also called: Hepatocerebral Mitochondrial DNA Depletion Syndrome. Identifiers: MedGen C4310690, MONDO:0014943, OMIM 617156.
Charcot-Marie-Tooth disease, axonal, type 2EE. Also called: CHARCOT-MARIE-TOOTH NEUROPATHY, TYPE 2EE. Identifiers: MedGen C5193076, MONDO:0032728, OMIM 618400.
Mitochondrial DNA depletion syndrome 6 (hepatocerebral type). Also called: NAVAJO NEUROPATHY; Navajo neurohepatopathy; Mitochondrial DNA depletion syndrome type 6. Identifiers: Orphanet 255229, MedGen C1850406, MONDO:0009747, OMIM 256810.

Allele frequency attached by ClinVar (database versions not stated): gnomAD exomes 0.00002 and 0.00004; ExAC 0.00004; gnomAD 0.00007; ESP Exome Variant Server 0.00008; TOPMed 0.00011; 1000 Genomes Project 30x 0.00031; 1000 Genomes Project 0.00040.
gnomAD v4.1: 78 of 1,613,912 alleles (0.0048%); highest among the groups gnomAD compares: Middle Eastern, 0.049%; no homozygotes.

Submissions (8):

Genomic Medicine Center of Excellence, King Faisal Specialist Hospital and Research Centre
Classification: Likely pathogenic for Mitochondrial DNA depletion syndrome 6 (hepatocerebral type). Last evaluated: 2025-09-10. Review status: criteria provided, single submitter. Criteria: ACMG Guidelines, 2015. Collection method: clinical testing. Allele origin: germline.

Clinical Omics and Informatics (COIN) Unit, Neuroscience Institute, University Of Cape Town
Classification: Uncertain significance for Charcot-Marie-Tooth disease, axonal, type 2EE. Last evaluated: 2025-03-24. Review status: criteria provided, single submitter. Criteria: ACMG Guidelines, 2015. Collection method: research. Allele origin: germline. Inheritance: Autosomal recessive inheritance. Affected: yes. Observed: 4 variant alleles, 4 compound heterozygotes.
Comment: PM2_supporting: the highest population allele frequency in gnomAD v4.0 is 0.00020 (0.02%; 5/24944 alleles in African/African American population) and the variant is absent from an internal database of 1074 control alleles. PP3_met: Revel score is 0.657. Sequencing funded by the International Centre for Genomic Medicine in Neuromuscular Diseases (ICGNMD).

Labcorp Genetics (formerly Invitae), Labcorp
Classification: Uncertain significance. Last evaluated: 2024-10-29. Review status: criteria provided, single submitter. Criteria: Invitae Variant Classification Sherloc (09022015). Collection method: clinical testing. Allele origin: germline.
Comment: This sequence change replaces arginine, which is basic and polar, with tryptophan, which is neutral and slightly polar, at codon 125 of the MPV17 protein (p.Arg125Trp). This variant is present in population databases (rs112170670, gnomAD 0.02%). This missense change has been observed in individual(s) with clinical features of MPV17-related conditions (PMID: 37712079). ClinVar contains an entry for this variant (Variation ID: 335526). An algorithm developed to predict the effect of missense changes on protein structure and function (PolyPhen-2) suggests that this variant is likely to be disruptive. Algorithms developed to predict the effect of sequence changes on RNA splicing suggest that this variant may disrupt the consensus splice site. In summary, the available evidence is currently insufficient to determine the role of this variant in disease. Therefore, it has been classified as a Variant of Uncertain Significance.

GeneDx
Classification: Uncertain significance. Last evaluated: 2019-04-11. Review status: criteria provided, single submitter. Criteria: GeneDx Variant Classification Process June 2021. Collection method: clinical testing. Allele origin: germline. Affected: yes.
Comment: Identified in the heterozygous state in the unaffected father of a fetus with short rib-polydactyly syndrome type III which was attributed to compound heterozygous variants identified in the DYNC2H1 gene (Chen et al., 2016); The majority of missense variants in this gene are considered pathogenic (Stenson et al., 2014); In-silico analysis, which includes splice predictors and evolutionary conservation, is inconclusive as to whether the variant alters gene splicing. In the absence of RNA/functional studies, the actual effect of this sequence change is unknown.; If c.373 C>T does not alter splicing, it will result in the R125W missense change. In silico analysis, which include protein predictors and evolutionary conservation, supports a deleterious effect.; This variant is associated with the following publications: (PMID: 27323140)

Eurofins Ntd Llc (ga)
Classification: Uncertain significance. Last evaluated: 2018-06-15. Review status: criteria provided, single submitter. Criteria: EGL ClinVar v180209 classification definitions. Collection method: clinical testing. Allele origin: germline. Observed: 2 variant alleles, 1 heterozygote, 1 homozygote.

Illumina Laboratory Services, Illumina
Classification: Uncertain significance for Mitochondrial DNA depletion syndrome 6 (hepatocerebral type). Last evaluated: 2018-01-12. Review status: criteria provided, single submitter. Criteria: ICSL Variant Classification Criteria 13 December 2019. Collection method: clinical testing. Allele origin: germline.

Breakthrough Genomics
Classification: Uncertain significance. Review status: criteria provided, single submitter. Criteria: ACMG Guidelines, 2015. Collection method: not provided. Allele origin: germline. Inheritance: Autosomal recessive inheritance. Affected: yes.

Natera, Inc.
Classification: Uncertain significance for Mitochondrial DNA depletion syndrome, hepatocerebral form. Last evaluated: 2020-01-17. Review status: no assertion criteria provided. Collection method: clinical testing. Allele origin: germline. Not counted in ClinVar's aggregate classification.

Literature cited by the submitters: PubMed 37712079 (cited by Clinical Omics and Informatics (COIN) Unit, Neuroscience Institute, University Of Cape Town and Labcorp Genetics (formerly Invitae), Labcorp).

NM_002437.5(MPV17):c.373C>T (p.Arg125Trp)

Gene: MPV17 (mitochondrial inner membrane protein MPV17; minus strand). Cytogenetic location: 2p23.3.
Variant type: single nucleotide variant.
Coding change: c.373C>T on transcript NM_002437.5 (MANE Select); coding-DNA position 373, C replaced by T.
Protein change: p.Arg125Trp; replaces arginine 125 with tryptophan.
Molecular consequence: missense variant.
Genome position (GRCh38, 1-based): chr2:27,312,496, G>A on the plus strand (C>T on the coding strand, the complement: MPV17 is on the minus strand). VCF-style: chr2-27312496-G-A. GRCh37 (hg19) VCF-style: chr2-27535363-G-A.
Other names: short protein forms R125W.
Identifiers: ClinVar variation 335526 (VCV000335526.31), dbSNP rs112170670, ClinGen allele CA1575585.